The following is an entry in ClinVar:

NM_004336.5(BUB1):c.2677C>G (p.Leu893Val)

Gene: BUB1 (BUB1 mitotic checkpoint serine/threonine kinase; minus strand). Cytogenetic location: 2q13.
Variant type: single nucleotide variant.
Coding change: c.2677C>G on transcript NM_004336.5 (MANE Select); coding-DNA position 2677, C replaced by G.
Protein change: p.Leu893Val; replaces leucine 893 with valine.
Molecular consequence: missense variant. On other transcripts: intron variant (1).
Genome position (GRCh38, 1-based): chr2:110,641,413, G>C on the plus strand (C>G on the coding strand, the complement: BUB1 is on the minus strand). VCF-style: chr2-110641413-G-C. GRCh37 (hg19) VCF-style: chr2-111398990-G-C.
Other names: c.2617C>G, p.Leu873Val (NM_001278616.2); c.2626-221C>G (NM_001278617.2); short protein forms L873V, L893V.
Identifiers: ClinVar variation 1794616 (VCV001794616.2), dbSNP rs1689501357, ClinGen allele CA348089825.
Genomic context (GRCh38, chr2:110,641,413, plus strand): 5'-TTTCACAGTCATGCACTTGCTCAATCATGTAAAGCATTCTCATAGCAAAAGAGATGACAA[G>C]ACCTTGAGGCATCACTTTTTCAGGGGTATTTTTATAGAGGTTAATGGCATTCTAGGAACA-3'
Protein context (NP_004327.1, residues 883-903): NTPEKVMPQG[Leu893Val]VISFAMRMLY

ClinVar aggregate classification (germline): Uncertain significance (1 of 4 stars; one submission).

Submission:

Ambry Genetics
Classification: Uncertain significance. Last evaluated: 2022-07-27. Review status: criteria provided, single submitter. Criteria: Ambry Variant Classification Scheme 2023. Collection method: clinical testing. Allele origin: germline.
Comment: The p.L893V variant (also known as c.2677C>G), located in coding exon 22 of the BUB1 gene, results from a C to G substitution at nucleotide position 2677. The leucine at codon 893 is replaced by valine, an amino acid with highly similar properties. This amino acid position is conserved. In addition, this alteration is predicted to be tolerated by in silico analysis. Since supporting evidence is limited at this time, the clinical significance of this alteration remains unclear.